The following is an entry in ClinVar:

ClinVar aggregate classification (germline): Pathogenic. Review status: criteria provided, multiple submitters, no conflicts (2 of 4 stars). 6 submissions from 6 submitters: Pathogenic (5). 1 of the submissions does not count toward it. Last evaluated 2026-01-28.

Conditions:
Leukoencephalopathy with vanishing white matter 2 (VWM2). Also called: EIF2B2-Related Childhood Ataxia with Central Nervous System Hypomyelination/Vanishing White Matter; Leukoencephalopathy with vanishing white matter 2, with or without ovarian failure. Identifiers: MedGen C5830404, MONDO:0957870, OMIM 620312.
EIF2B2-related disorders.
Vanishing white matter disease. Also called: Childhood ataxia with diffuse central nervous system hypomyelination; Leukoencephalopathy with vanishing white matter; CACH/VWM syndrome; Cree leukoencehalopathy; CACH syndrome. Identifiers: Orphanet 135, Orphanet 99853, MedGen C1858991, MONDO:0800448.

Submissions (6):

Labcorp Genetics (formerly Invitae), Labcorp
Classification: Pathogenic. Last evaluated: 2026-01-28. Review status: criteria provided, single submitter. Criteria: Invitae Variant Classification Sherloc (09022015). Collection method: clinical testing. Allele origin: germline.
Comment: This sequence change creates a premature translational stop signal (p.Met203Trpfs*2) in the EIF2B2 gene. It is expected to result in an absent or disrupted protein product. Loss-of-function variants in EIF2B2 are known to be pathogenic (PMID: 11704758, 12707859). Information on the frequency of this variant in the gnomAD database is not available, as this variant may be reported differently in the database. This premature translational stop signal has been observed in individual(s) with leukoencephalopathy with vanishing white matter (PMID: 11704758). For these reasons, this variant has been classified as Pathogenic.

Women's Health and Genetics/Laboratory Corporation of America, LabCorp
Classification: Pathogenic for Vanishing white matter disease. Last evaluated: 2023-06-20. Review status: criteria provided, single submitter. Criteria: LabCorp Variant Classification Summary - May 2015. Collection method: clinical testing. Allele origin: germline.
Comment: Variant summary: EIF2B2 c.607_612delinsTG (p.Met203TrpfsX2) results in a premature termination codon, predicted to cause a truncation of the encoded protein or absence of the protein due to nonsense mediated decay, which are commonly known mechanisms for disease. The variant was absent in 251476 control chromosomes (gnomAD). c.607_612delinsTG has been reported in the literature in individuals affected with Leukoencephalopathy With Vanishing White Matter (e.g., Slynko_2020). These data indicate that the variant is very likely to be associated with disease. The following publication was ascertained in the context of this evaluation (PMID: 33432707). Two submitters have reported clinical-significance assessments for this variant to ClinVar after 2014. Both submitters classified the variant as pathogenic. Based on the evidence outlined above, the variant was classified as pathogenic.

Blueprint Genetics
Classification: Pathogenic for EIF2B2-related disorders. Last evaluated: 2021-03-26. Review status: criteria provided, single submitter. Criteria: ACMG Guidelines, 2015. Collection method: clinical testing. Allele origin: germline. Affected: yes. Observed: 1 variant allele.

GeneDx
Classification: Pathogenic. Last evaluated: 2020-07-10. Review status: criteria provided, single submitter. Criteria: GeneDx Variant Classification Process June 2021. Collection method: clinical testing. Allele origin: germline. Affected: yes.
Comment: Reported previously in association with vanishing white matter (VWM) disease in a patient who had a second variant in EIF2B2 (Leegwater et al., 2001); Frameshift variant predicted to result in protein truncation or nonsense mediated decay in a gene for which loss-of-function is a known mechanism of disease; This variant is associated with the following publications: (PMID: 11704758, 12707859, 31438897)

Illumina Laboratory Services, Illumina
Classification: Pathogenic for Leukoencephalopathy with vanishing white matter 1. Last evaluated: 2018-10-18. Review status: criteria provided, single submitter. Criteria: ICSL Variant Classification Criteria 09 May 2019. Collection method: clinical testing. Allele origin: germline.
Comment: The EIF2B2 c.607_612delATGGCTinsTG (p.Met203TrpfsTer2) variant results in a frameshift and is predicted to result in premature termination of the protein. The p.Met203TrpfsTer2 variant has been reported in at least three studies in which it is found in a compound heterozygous state with a missense variant in at least three patients with childhood ataxia with central nervous system hypomyelination/vanishing white matter (Leegwater et al. 2001; Fogli et al. 2003; Ohlenbusch et al. 2005). The p.Met203TrpfsTer2 variant was absent from 700 control chromosomes and is not found in the 1000 Genomes Project, the Exome Sequencing Project, the Exome Aggregation Consortium, or the Genome Aggregation Database. Li et al. (2004) performed functional studies in HEK293 cells, in which the p.Met203TrpfsTer2 variant protein was expressed with wild type versions of the other proteins involved in the EIF2B heteropentamer complex. SDS-PAGE and Western blotting for myc-tagged proteins showed that the p.Met203TrpfsTer2 variant was not able to form complexes with the other proteins suggesting that the C-terminal is needed for interaction and normal function. Based on the evidence and the potential impact of frameshift variants, the p.Met203TrpfsTer2 variant is considered pathogenic for childhood ataxia with central nervous system hypomyelination/vanishing white matter. This variant was observed by ICSL as part of a predisposition screen in an ostensibly healthy population.

OMIM
Classification: Pathogenic for LEUKOENCEPHALOPATHY WITH VANISHING WHITE MATTER 2. Last evaluated: 2003-06-01. Review status: no assertion criteria provided. Collection method: literature only. Allele origin: germline. Not counted in ClinVar's aggregate classification.

Literature cited by the submitters: PubMed 11704758 (cited by Labcorp Genetics (formerly Invitae), Labcorp and Illumina Laboratory Services, Illumina); PubMed 12707859 (cited by 3 submitters); PubMed 33432707 (cited by Women's Health and Genetics/Laboratory Corporation of America, LabCorp); PubMed 15776425 (cited by Illumina Laboratory Services, Illumina); PubMed 15060152 (cited by Illumina Laboratory Services, Illumina).

NM_014239.4(EIF2B2):c.607_612delinsTG (p.Met203fs)

Gene: EIF2B2 (eukaryotic translation initiation factor 2B subunit beta; plus strand). Cytogenetic location: 14q24.3.
Variant type: Indel.
Coding change: c.607_612delinsTG on transcript NM_014239.4 (MANE Select); coding-DNA positions 607 to 612, ATGGCT replaced by TG.
Protein change: p.Met203fs; shifts the reading frame from methionine 203.
Molecular consequence: frameshift variant.
Genome position (GRCh38, 1-based): chr14:75,005,875-75,005,880, ATGGCT replaced by TG. VCF-style: chr14-75005875-ATGGCT-TG. GRCh37 (hg19) VCF-style: chr14-75472578-ATGGCT-TG.
Other names: short protein forms M203fs.
Identifiers: ClinVar variation 4340 (VCV000004340.19), dbSNP rs113994014, ClinGen allele CA116773.
Genomic context (GRCh38, chr14:75,005,875, plus strand): 5'-TCACTATTTCTCACTCTTTCTCTTAGAATCAGCCTTTCCCTCCCATTGCAGGGTCATGAA[ATGGCT>TG]GTGAATTTGTCCAAAGCAGGTATTGAGACAACTGTCATGACTGATGCTGCCATTTTTGCC-3'